The following is an entry in ClinVar:

NM_031844.3(HNRNPU):c.661_669del (p.Gly221_Gly223del)

Gene: HNRNPU (heterogeneous nuclear ribonucleoprotein U; minus strand). Cytogenetic location: 1q44.
Variant type: Deletion.
Coding change: c.661_669del on transcript NM_031844.3 (MANE Select); coding-DNA positions 661 to 669, 9 bases deleted (GGCGGCGGT; older notation c.661_669delGGCGGCGGT).
Protein change: p.Gly221_Gly223del.
Molecular consequence: inframe deletion. On other transcripts: intron variant (1).
Genome position (GRCh38, 1-based): chr1:244,863,639-244,863,647, ACCGCCGCC deleted on the plus strand (GGCGGCGGT on the coding strand, the reverse complement: HNRNPU is on the minus strand). VCF-style (leftmost placement, unchanged base first): chr1-244863638-GACCGCCGCC-G. GRCh37 (hg19) VCF-style: chr1-245026940-GACCGCCGCC-G.
Other names: c.634+27_634+35del (NM_004501.3).
Identifiers: ClinVar variation 2570759 (VCV002570759.27), dbSNP rs2527893983, ClinGen allele CA2580612907.

ClinVar aggregate classification (germline): Uncertain significance (1 of 4 stars; one submission).

Allele frequency attached by ClinVar (database versions not stated): gnomAD exomes below 0.00001.

Submission:

CeGaT Center for Human Genetics Tuebingen
Classification: Uncertain significance. Last evaluated: 2023-06-01. Review status: criteria provided, single submitter. Criteria: CeGaT Center For Human Genetics Tuebingen Variant Classification Criteria Version 2. Collection method: clinical testing. Allele origin: germline. Affected: yes. Observed: 1 variant allele.
Comment: HNRNPU: PM2, BP3